The following is an entry in ClinVar:

NM_001040142.2(SCN2A):c.1538A>T (p.Gln513Leu)

Gene: SCN2A (sodium voltage-gated channel alpha subunit 2; plus strand). Cytogenetic location: 2q24.3.
Variant type: single nucleotide variant.
Coding change: c.1538A>T on transcript NM_001040142.2 (MANE Select); coding-DNA position 1538, A replaced by T.
Protein change: p.Gln513Leu; replaces glutamine 513 with leucine.
Molecular consequence: missense variant.
Genome position (GRCh38, 1-based): chr2:165,315,625, A>T. VCF-style: chr2-165315625-A-T. GRCh37 (hg19) VCF-style: chr2-166172135-A-T.
Other names: c.1538A>T, p.Gln513Leu (NM_001040143.2, NM_001371246.1, NM_001371247.1 and 1 more transcripts); short protein forms Q513L.
Identifiers: ClinVar variation 4992555 (VCV004992555.1).

ClinVar aggregate classification (germline): Uncertain significance (1 of 4 stars; one submission).

Conditions:
SCN2A-related disorder. Also called: SCN2A-related condition; SCN2A-related disorders. Identifiers: MedGen CN382226, MONDO:1060245.

Submission:

PreventionGenetics, part of Exact Sciences
Classification: Uncertain significance for SCN2A-related condition. Last evaluated: 2026-04-13. Review status: criteria provided, single submitter. Criteria: ACMG Guidelines, 2015. Collection method: clinical testing. Allele origin: germline.
Comment: The SCN2A c.1538A>T variant is predicted to result in the amino acid substitution p.Gln513Leu. To our knowledge, this variant has not been reported in the literature or in a large population database (gnomAD), indicating this variant is rare. At this time, the clinical significance of this variant is uncertain due to the absence of conclusive functional and genetic evidence.